The following is an entry in ClinVar:

NM_000503.6(EYA1):c.491T>C (p.Leu164Pro)

Gene: EYA1 (EYA transcriptional coactivator and phosphatase 1; minus strand). Cytogenetic location: 8q13.3.
Variant type: single nucleotide variant.
Coding change: c.491T>C on transcript NM_000503.6 (MANE Select); coding-DNA position 491, T replaced by C.
Protein change: p.Leu164Pro; replaces leucine 164 with proline.
Molecular consequence: missense variant.
Genome position (GRCh38, 1-based): chr8:71,317,617, A>G on the plus strand (T>C on the coding strand, the complement: EYA1 is on the minus strand). VCF-style: chr8-71317617-A-G. GRCh37 (hg19) VCF-style: chr8-72229852-A-G.
Other names: c.473T>C, p.Leu158Pro (NM_001288574.2); c.125T>C, p.Leu42Pro (NM_001288575.2); c.578T>C, p.Leu193Pro (NM_001370333.1); c.491T>C, p.Leu164Pro (NM_001370334.1, NM_001370335.1, NM_172058.4); c.560T>C, p.Leu187Pro (NM_001370336.1); c.563T>C, p.Leu188Pro (NM_172059.5); c.491T>C (NM_000503.4); short protein forms L164P, L158P, L187P, L188P, L193P, L42P.
Identifiers: ClinVar variation 444758 (VCV000444758.53), dbSNP rs1007684729, ClinGen allele CA179221992.

ClinVar aggregate classification (germline): Uncertain significance. Review status: criteria provided, multiple submitters, no conflicts (2 of 4 stars). 5 submissions from 5 submitters: Uncertain significance (5). Last evaluated 2026-05-19.

Conditions:
Melnick-Fraser syndrome (BOR). Also called: Branchio-oto-renal syndrome; Branchiootorenal syndrome; Branchiootorenal Syndrome (BORS). Identifiers: Orphanet 107, MedGen C0265234, MONDO:0007029.
Inborn genetic diseases. Identifiers: MedGen C0950123, MeSH D030342.
Branchiootic syndrome 1 (BOS1). Also called: BO SYNDROME 1; BRANCHIOOTIC DYSPLASIA. Identifiers: MedGen C1865143, MONDO:0011258, OMIM 602588.
Branchiootorenal syndrome 1. Also called: Branchio-Oto-Renal Syndrome 1. Identifiers: Orphanet 107, MedGen C4551702, MONDO:0007236, OMIM 113650.
Otofaciocervical syndrome 1 (OTFCS). Identifiers: MedGen C3714941, MONDO:0024532, OMIM 166780.

Allele frequency attached by ClinVar (database versions not stated): gnomAD 0.00001; gnomAD exomes 0.00001; TOPMed 0.00002.
gnomAD v4.1: 19 of 1,614,064 alleles (0.0012%); highest among the groups gnomAD compares: Middle Eastern, 0.016%; no homozygotes.

Submissions (5):

Ambry Genetics
Classification: Uncertain significance for Inborn genetic diseases. Last evaluated: 2026-05-19. Review status: criteria provided, single submitter. Criteria: Ambry Variant Classification Scheme 2023. Collection method: clinical testing. Allele origin: germline.

Labcorp Genetics (formerly Invitae), Labcorp
Classification: Uncertain significance for Melnick-Fraser syndrome. Last evaluated: 2025-12-23. Review status: criteria provided, single submitter. Criteria: Invitae Variant Classification Sherloc (09022015). Collection method: clinical testing. Allele origin: germline.
Comment: This sequence change replaces leucine, which is neutral and non-polar, with proline, which is neutral and non-polar, at codon 164 of the EYA1 protein (p.Leu164Pro). This variant is present in population databases (no rsID available, gnomAD 0.002%). This variant has not been reported in the literature in individuals affected with EYA1-related conditions. ClinVar contains an entry for this variant (Variation ID: 444758). Invitae Evidence Modeling of protein sequence and biophysical properties (such as structural, functional, and spatial information, amino acid conservation, physicochemical variation, residue mobility, and thermodynamic stability) indicates that this missense variant is not expected to disrupt EYA1 protein function with a negative predictive value of 80%. In summary, the available evidence is currently insufficient to determine the role of this variant in disease. Therefore, it has been classified as a Variant of Uncertain Significance.

Fulgent Genetics
Classification: Uncertain significance for Branchiootorenal syndrome 1; Otofaciocervical syndrome 1; Branchiootic syndrome 1. Last evaluated: 2024-06-21. Review status: criteria provided, single submitter. Criteria: ACMG Guidelines, 2015. Collection method: clinical testing. Allele origin: germline.

CeGaT Center for Human Genetics Tuebingen
Classification: Uncertain significance. Last evaluated: 2017-05-01. Review status: criteria provided, single submitter. Criteria: CeGaT Center For Human Genetics Tuebingen Variant Classification Criteria Version 2. Collection method: clinical testing. Allele origin: germline. Affected: yes. Observed: 1 variant allele.

Laboratory for Molecular Medicine, Mass General Brigham Personalized Medicine
Classification: Uncertain significance. Last evaluated: 2016-07-07. Review status: criteria provided, single submitter. Criteria: LMM Criteria. Collection method: clinical testing. Allele origin: germline. Observed: 1 variant allele.
Comment: The p.Leu164Pro variant in EYA1 has not been previously reported in individuals with hearing loss or in large population studies. Computational prediction tools and conservation analyses suggest that this variant may impact the protein, tho ugh this information is not predictive enough to determine pathogenicity. In sum mary, the clinical significance of the p.Leu164Pro variant is uncertain.